The following is an entry in ClinVar:

ClinVar aggregate classification (germline): Uncertain significance (1 of 4 stars; one submission).

gnomAD v4.1: 10 of 1,614,196 alleles (0.00062%); highest among the groups gnomAD compares: Non-Finnish European, 0.00076%; no homozygotes.

Submission:

Labcorp Genetics (formerly Invitae), Labcorp
Classification: Uncertain significance. Last evaluated: 2019-08-21. Review status: criteria provided, single submitter. Criteria: Invitae Variant Classification Sherloc (09022015). Collection method: clinical testing. Allele origin: germline.
Comment: This sequence change replaces alanine with valine at codon 2512 of the SZT2 protein (p.Ala2512Val). The alanine residue is highly conserved and there is a small physicochemical difference between alanine and valine. In summary, the available evidence is currently insufficient to determine the role of this variant in disease. Therefore, it has been classified as a Variant of Uncertain Significance. Algorithms developed to predict the effect of sequence changes on RNA splicing suggest that this variant may create or strengthen a splice site, but this prediction has not been confirmed by published transcriptional studies. Algorithms developed to predict the effect of missense changes on protein structure and function (SIFT, PolyPhen-2, Align-GVGD) all suggest that this variant is likely to be tolerated, but these predictions have not been confirmed by published functional studies and their clinical significance is uncertain. This variant has not been reported in the literature in individuals with SZT2-related conditions. This variant is not present in population databases (ExAC no frequency).

NM_001365999.1(SZT2):c.7706C>T (p.Ala2569Val)

Gene: SZT2 (SZT2 subunit of KICSTOR complex; plus strand). Cytogenetic location: 1p34.2.
Variant type: single nucleotide variant.
Coding change: c.7706C>T on transcript NM_001365999.1 (MANE Select); coding-DNA position 7706, C replaced by T.
Protein change: p.Ala2569Val; replaces alanine 2569 with valine.
Molecular consequence: missense variant.
Genome position (GRCh38, 1-based): chr1:43,441,782, C>T. VCF-style: chr1-43441782-C-T. GRCh37 (hg19) VCF-style: chr1-43907453-C-T.
Other names: c.7535C>T, p.Ala2512Val (NM_015284.4); short protein forms A2569V, A2512V.
Identifiers: ClinVar variation 934300 (VCV000934300.7), dbSNP rs1655085529, ClinGen allele CA340035860.